The following is an entry in ClinVar:

NM_181351.5(NCAM1):c.2430C>T (p.Asn810=)

Genes: NCAM1 (neural cell adhesion molecule 1; plus strand), NCAM1-AS1 (NCAM1 antisense RNA 1; minus strand). Cytogenetic location: 11q23.2.
Variant type: single nucleotide variant.
Coding change: c.2430C>T on transcript NM_181351.5 (MANE Select); coding-DNA position 2430, C replaced by T.
Protein change: p.Asn810=; no amino-acid change (asparagine 810 retained).
Molecular consequence: synonymous variant.
Genome position (GRCh38, 1-based): chr11:113,271,850, C>T. VCF-style: chr11-113271850-C-T. GRCh37 (hg19) VCF-style: chr11-113142572-C-T.
Other names: c.2427C>T, p.Asn809= (NM_001400624.1, NM_001386290.1); c.2400C>T, p.Asn800= (NM_000615.7); c.2508C>T, p.Asn836= (NM_001242607.2); c.2397C>T, p.Asn799= (NM_001386292.1, NM_001400617.1, NM_001400622.1); c.1533C>T, p.Asn511= (NM_001400614.1, NM_001400619.1); c.2442C>T, p.Asn814= (NM_001400615.1); c.2505C>T, p.Asn835= (NM_001400616.1); c.2412C>T, p.Asn804= (NM_001400618.1, NM_001400620.1); and 2 more.
Identifiers: ClinVar variation 2642376 (VCV002642376.24), dbSNP rs200459186, ClinGen allele CA6279565.

ClinVar aggregate classification (germline): Likely benign (1 of 4 stars; one submission).

Allele frequency attached by ClinVar (database versions not stated): 1000 Genomes Project 30x 0.00047; 1000 Genomes Project 0.00060; TOPMed 0.00182; gnomAD 0.00200; ESP Exome Variant Server 0.00215; ExAC 0.00401.
gnomAD v4.1: 3,630 of 1,570,946 alleles (0.23%); highest among the groups gnomAD compares: Middle Eastern, 0.58%; 12 homozygotes.

Submission:

CeGaT Center for Human Genetics Tuebingen
Classification: Likely benign. Last evaluated: 2022-07-01. Review status: criteria provided, single submitter. Criteria: CeGaT Center For Human Genetics Tuebingen Variant Classification Criteria Version 2. Collection method: clinical testing. Allele origin: germline. Affected: yes. Observed: 1 variant allele.
Comment: NCAM1: BP4, BP7